The following is an entry in ClinVar:

ClinVar aggregate classification (germline): Uncertain significance (1 of 4 stars; one submission).

Conditions:
Adams-Oliver syndrome 5 (AOS5). Identifiers: Orphanet 974, MedGen C4014970, MONDO:0014459, OMIM 616028.

gnomAD v4.1: 4 of 1,611,066 alleles (0.00025%); highest among the groups gnomAD compares: South Asian, 0.0011%; no homozygotes.

Submission:

Labcorp Genetics (formerly Invitae), Labcorp
Classification: Uncertain significance for Adams-Oliver syndrome 5. Last evaluated: 2024-11-19. Review status: criteria provided, single submitter. Criteria: Invitae Variant Classification Sherloc (09022015). Collection method: clinical testing. Allele origin: germline.
Comment: This sequence change replaces glycine, which is neutral and non-polar, with arginine, which is basic and polar, at codon 1543 of the NOTCH1 protein (p.Gly1543Arg). The frequency data for this variant in the population databases is considered unreliable, as metrics indicate poor data quality at this position in the gnomAD database. This variant has not been reported in the literature in individuals affected with NOTCH1-related conditions. Invitae Evidence Modeling of protein sequence and biophysical properties (such as structural, functional, and spatial information, amino acid conservation, physicochemical variation, residue mobility, and thermodynamic stability) has been performed for this missense variant. However, the output from this modeling did not meet the statistical confidence thresholds required to predict the impact of this variant on NOTCH1 protein function. In summary, the available evidence is currently insufficient to determine the role of this variant in disease. Therefore, it has been classified as a Variant of Uncertain Significance.

NM_017617.5(NOTCH1):c.4627G>C (p.Gly1543Arg)

Gene: NOTCH1 (notch receptor 1; minus strand). Cytogenetic location: 9q34.3.
Variant type: single nucleotide variant.
Coding change: c.4627G>C on transcript NM_017617.5 (MANE Select); coding-DNA position 4627, G replaced by C.
Protein change: p.Gly1543Arg; replaces glycine 1543 with arginine.
Molecular consequence: missense variant.
Genome position (GRCh38, 1-based): chr9:136,505,064, C>G on the plus strand (G>C on the coding strand, the complement: NOTCH1 is on the minus strand). VCF-style: chr9-136505064-C-G. GRCh37 (hg19) VCF-style: chr9-139399516-C-G.
Other names: short protein forms G1543R.
Identifiers: ClinVar variation 3709220 (VCV003709220.2).
Genomic context (GRCh38, chr9:136,505,064, plus strand): 5'-CCGCACAGTCCAGCCCGTCCCACTCGCACTCCGCGCTGTTGCAGCCCTGGTCGCAGTGCC[C>G]GTCGCTGAAGTGGTCCTTGCAGTACTGGTCGTACAGGGGGCTGTGGGGGGCGGGACACGC-3'
Protein context (NP_060087.3, residues 1533-1553): DQYCKDHFSD[Gly1543Arg]HCDQGCNSAE